The following is an entry in ClinVar:

NM_000286.3(PEX12):c.844C>G (p.Pro282Ala)

Gene: PEX12 (peroxisomal biogenesis factor 12; minus strand). Cytogenetic location: 17q12.
Variant type: single nucleotide variant.
Coding change: c.844C>G on transcript NM_000286.3 (MANE Select); coding-DNA position 844, C replaced by G.
Protein change: p.Pro282Ala; replaces proline 282 with alanine.
Molecular consequence: missense variant.
Genome position (GRCh38, 1-based): chr17:35,576,018, G>C on the plus strand (C>G on the coding strand, the complement: PEX12 is on the minus strand). VCF-style: chr17-35576018-G-C. GRCh37 (hg19) VCF-style: chr17-33903037-G-C.
Other names: short protein forms P282A.
Identifiers: ClinVar variation 2094006 (VCV002094006.4), dbSNP rs1279175625, ClinGen allele CA399137255.

ClinVar aggregate classification (germline): Uncertain significance (1 of 4 stars; one submission).

Conditions:
Peroxisome biogenesis disorder 3A (Zellweger). Also called: PEROXISOMAL BIOGENESIS DISORDER 3A (ZELLWEGER); Peroxisome biogenesis disorder 3A. Identifiers: Orphanet 912, MedGen C3553929, MONDO:0013927, OMIM 614859.

Submission:

Labcorp Genetics (formerly Invitae), Labcorp
Classification: Uncertain significance for Peroxisome biogenesis disorder 3A (Zellweger). Last evaluated: 2022-10-13. Review status: criteria provided, single submitter. Criteria: Invitae Variant Classification Sherloc (09022015). Collection method: clinical testing. Allele origin: germline.
Comment: In summary, the available evidence is currently insufficient to determine the role of this variant in disease. Therefore, it has been classified as a Variant of Uncertain Significance. Advanced modeling of protein sequence and biophysical properties (such as structural, functional, and spatial information, amino acid conservation, physicochemical variation, residue mobility, and thermodynamic stability) performed at Invitae indicates that this missense variant is expected to disrupt PEX12 protein function. This variant has not been reported in the literature in individuals affected with PEX12-related conditions. This variant is not present in population databases (gnomAD no frequency). This sequence change replaces proline, which is neutral and non-polar, with alanine, which is neutral and non-polar, at codon 282 of the PEX12 protein (p.Pro282Ala).